The following is an entry in ClinVar:

ClinVar aggregate classification (germline): Conflicting classifications of pathogenicity. Review status: criteria provided, conflicting classifications (1 of 4 stars). 11 submissions from 11 submitters: Uncertain significance (1); Benign (1); Likely benign (8). 1 of the submissions does not count toward it. Last evaluated 2025-12-21.

Conditions:
Cardiovascular phenotype. Identifiers: MedGen CN230736.
Charcot-Marie-Tooth disease type 2. Also called: Charcot-Marie-Tooth type 2. Identifiers: Orphanet 64746, MedGen C0270914, MONDO:0018993.
Cardiomyopathy (CMYO). Also called: Cardiomyopathies. Identifiers: Orphanet 167848, MedGen C0878544, MONDO:0004994, HP:0001638. Inheritance: Various modes of inheritance.
Primary dilated cardiomyopathy (DCM). Also called: Dilated Cardiomyopathy. Identifiers: Orphanet 217604, MedGen C0007193, MeSH D002311, MONDO:0005021, HP:0001644. Inheritance: Various modes of inheritance.

Allele frequency attached by ClinVar (database versions not stated): ExAC 0.00001; gnomAD exomes 0.00001 and below 0.00001; gnomAD 0.00002; TOPMed 0.00002.
gnomAD v4.1: 13 of 1,614,008 alleles (0.00081%); highest among the groups gnomAD compares: Non-Finnish European, 0.0011%; no homozygotes.

Submissions (11):

Labcorp Genetics (formerly Invitae), Labcorp
Classification: Likely benign for Charcot-Marie-Tooth disease type 2. Last evaluated: 2025-12-21. Review status: criteria provided, single submitter. Criteria: Invitae Variant Classification Sherloc (09022015). Collection method: clinical testing. Allele origin: germline.

Laboratory of Genetics, Children's Clinical University Hospital Latvia
Classification: Likely benign. Last evaluated: 2025-02-16. Review status: criteria provided, single submitter. Criteria: ACMG Guidelines, 2015. Collection method: clinical testing. Allele origin: germline. Affected: yes.

Athena Diagnostics
Classification: Likely benign. Last evaluated: 2024-05-22. Review status: criteria provided, single submitter. Criteria: Athena Diagnostics Criteria. Collection method: clinical testing. Allele origin: unknown.

All of Us Research Program, National Institutes of Health
Classification: Likely benign for Primary dilated cardiomyopathy. Last evaluated: 2023-11-02. Review status: criteria provided, single submitter. Criteria: ACMG Guidelines, 2015. Collection method: clinical testing. Allele origin: germline. Inheritance: Autosomal dominant inheritance. Observed: 2 variant alleles, 2 heterozygotes.
Comment: This study involves interpretation of variants in research participants for the purpose of population health screening. Participant phenotype was not available at the time of variant classification. Additional details can be found in publication PMID: 35346344, PMCID: PMC8962531

Ambry Genetics
Classification: Likely benign for Cardiovascular phenotype. Last evaluated: 2021-07-03. Review status: criteria provided, single submitter. Criteria: Ambry Variant Classification Scheme 2023. Collection method: clinical testing. Allele origin: germline.

CeGaT Center for Human Genetics Tuebingen
Classification: Likely benign. Last evaluated: 2021-04-01. Review status: criteria provided, single submitter. Criteria: CeGaT Center For Human Genetics Tuebingen Variant Classification Criteria Version 2. Collection method: clinical testing. Allele origin: germline. Affected: yes. Observed: 1 variant allele.

ARUP Laboratories, Molecular Genetics and Genomics, ARUP Laboratories
Classification: Likely benign. Last evaluated: 2020-04-17. Review status: criteria provided, single submitter. Criteria: ARUP Molecular Germline Variant Investigation Process. Collection method: clinical testing. Allele origin: germline.

Color Diagnostics, LLC DBA Color Health
Classification: Likely benign for Cardiomyopathy. Last evaluated: 2018-12-01. Review status: criteria provided, single submitter. Criteria: ACMG Guidelines, 2015. Collection method: clinical testing. Allele origin: germline.

Eurofins Ntd Llc (ga)
Classification: Uncertain significance. Last evaluated: 2016-10-06. Review status: criteria provided, single submitter. Criteria: EGL Classification Definitions 2015. Collection method: clinical testing. Allele origin: germline. Observed: 1 variant allele, 1 heterozygote.

Genetic Services Laboratory, University of Chicago
Classification: Benign. Last evaluated: 2013-02-08. Review status: criteria provided, single submitter. Criteria: ACMG Guidelines, 2007. Collection method: clinical testing. Allele origin: germline. Affected: no.

Epithelial Biology;  Institute of Medical Biology, Singapore
No classification provided. Review status: no classification provided. Collection method: not provided. Allele origin: not provided. Not counted in ClinVar's aggregate classification.

Literature cited by the submitters: PubMed 12920062 (cited by Athena Diagnostics and Ambry Genetics); PubMed 30402260 (cited by Athena Diagnostics and Ambry Genetics); PubMed 28679633 (cited by Athena Diagnostics); PubMed 27697855 (cited by Athena Diagnostics).

NM_170707.4(LMNA):c.1098G>A (p.Lys366=)

Gene: LMNA (lamin A/C; plus strand). Cytogenetic location: 1q22.
Variant type: single nucleotide variant.
Coding change: c.1098G>A on transcript NM_170707.4 (MANE Select); coding-DNA position 1098, G replaced by A.
Protein change: p.Lys366=; no amino-acid change (lysine 366 retained).
Molecular consequence: synonymous variant.
Genome position (GRCh38, 1-based): chr1:156,136,062, G>A. VCF-style: chr1-156136062-G-A. GRCh37 (hg19) VCF-style: chr1-156105853-G-A.
Other names: c.762G>A, p.Lys254= (NM_001257374.3); c.855G>A, p.Lys285= (NM_001282624.2); c.1098G>A, p.Lys366= (NM_001282625.2, NM_001282626.2, NM_005572.4 and 1 more transcripts).
Identifiers: ClinVar variation 66774 (VCV000066774.63), dbSNP rs57901307, ClinGen allele CA016587.